The following is an entry in ClinVar:

NM_001166114.2(PNPLA6):c.1109C>T (p.Pro370Leu)

Gene: PNPLA6 (patatin like domain 6, lysophospholipase; plus strand). Cytogenetic location: 19p13.2.
Variant type: single nucleotide variant.
Coding change: c.1109C>T on transcript NM_001166114.2 (MANE Select); coding-DNA position 1109, C replaced by T.
Protein change: p.Pro370Leu; replaces proline 370 with leucine.
Molecular consequence: missense variant.
Genome position (GRCh38, 1-based): chr19:7,541,625, C>T. VCF-style: chr19-7541625-C-T. GRCh37 (hg19) VCF-style: chr19-7606511-C-T.
Other names: c.1136C>T, p.Pro379Leu (NM_001166111.2); c.992C>T, p.Pro331Leu (NM_001166112.2, NM_001166113.1, NM_006702.5); short protein forms P331L, P370L, P379L.
Identifiers: ClinVar variation 696994 (VCV000696994.17), dbSNP rs200897068, ClinGen allele CA9139673.

ClinVar aggregate classification (germline): Conflicting classifications of pathogenicity. Review status: criteria provided, conflicting classifications (1 of 4 stars). 5 submissions from 5 submitters: Uncertain significance (2); Likely benign (3). Last evaluated 2025-12-02.

Conditions:
Inborn genetic diseases. Identifiers: MedGen C0950123, MeSH D030342.
Hereditary spastic paraplegia 39 (SPG39). Also called: SPASTIC PARAPLEGIA 39, AUTOSOMAL RECESSIVE; Spastic Paraplegia Type 39 (SPG39). Identifiers: Orphanet 139480, MedGen C2677586, MONDO:0012787, OMIM 612020.

Allele frequency attached by ClinVar (database versions not stated): gnomAD exomes 0.00027; ExAC 0.00058; 1000 Genomes Project 30x 0.00078; 1000 Genomes Project 0.00080; gnomAD 0.00128; ESP Exome Variant Server 0.00132; TOPMed 0.00200.
gnomAD v4.1: 461 of 1,589,396 alleles (0.029%); highest among the groups gnomAD compares: African/African-American, 0.54%; 4 homozygotes.

Submissions (5):

Labcorp Genetics (formerly Invitae), Labcorp
Classification: Likely benign for Hereditary spastic paraplegia 39. Last evaluated: 2025-12-02. Review status: criteria provided, single submitter. Criteria: Invitae Variant Classification Sherloc (09022015). Collection method: clinical testing. Allele origin: germline.

Blueprint Genetics
Classification: Likely benign. Last evaluated: 2024-09-18. Review status: criteria provided, single submitter. Criteria: ACMG Guidelines, 2015. Collection method: clinical testing. Allele origin: germline.

Women's Health and Genetics/Laboratory Corporation of America, LabCorp
Classification: Likely benign. Last evaluated: 2023-12-04. Review status: criteria provided, single submitter. Criteria: LabCorp Variant Classification Summary - May 2015. Collection method: clinical testing. Allele origin: germline.
Comment: Variant summary: PNPLA6 c.992C>T (p.Pro331Leu) results in a non-conservative amino acid change in the encoded protein sequence. Four of five in-silico tools predict a benign effect of the variant on protein function. The variant allele was found at a frequency of 0.00029 in 1589396 control chromosomes in the gnomAD v4 database, including 4 homozygotes. To our knowledge, no occurrence of c.992C>T in individuals affected with PNPLA6-Related Disorders and no experimental evidence demonstrating its impact on protein function have been reported. Two submitters have cited clinical-significance assessments for this variant to ClinVar after 2014. One submitter classified the variant as likely benign, and one submitter classified the variant as uncertain significance. Based on the evidence outlined above, the variant was classified as likely benign.

GeneDx
Classification: Uncertain significance. Last evaluated: 2021-08-28. Review status: criteria provided, single submitter. Criteria: GeneDx Variant Classification Process June 2021. Collection method: clinical testing. Allele origin: germline. Affected: yes.
Comment: In silico analysis, which includes protein predictors and evolutionary conservation, supports a deleterious effect; Has not been previously published as pathogenic or benign to our knowledge; This variant is associated with the following publications: (PMID: 25359264, 25480986)

Ambry Genetics
Classification: Uncertain significance for Inborn genetic diseases. Last evaluated: 2021-08-12. Review status: criteria provided, single submitter. Criteria: Ambry Variant Classification Scheme 2023. Collection method: clinical testing. Allele origin: germline.